The following is an entry in ClinVar:

NM_203446.3(SYNJ1):c.594G>C (p.Gln198His)

Gene: SYNJ1 (synaptojanin 1; minus strand). Cytogenetic location: 21q22.11.
Variant type: single nucleotide variant.
Coding change: c.594G>C on transcript NM_203446.3 (MANE Select); coding-DNA position 594, G replaced by C.
Protein change: p.Gln198His; replaces glutamine 198 with histidine.
Molecular consequence: missense variant.
Genome position (GRCh38, 1-based): chr21:32,695,168, C>G on the plus strand (G>C on the coding strand, the complement: SYNJ1 is on the minus strand). VCF-style: chr21-32695168-C-G. GRCh37 (hg19) VCF-style: chr21-34067478-C-G.
Other names: c.594G>C, p.Gln198His (NM_001160302.2, NM_001160306.2); c.711G>C, p.Gln237His (NM_003895.4); short protein forms Q237H, Q198H.
Identifiers: ClinVar variation 2159496 (VCV002159496.1), dbSNP rs2042158413, ClinGen allele CA410098314.
Genomic context (GRCh38, chr21:32,695,168, plus strand): 5'-GACATTAAACCTGGTCCCAGCTCGTTCACAGCTTAATCTTGAAATGAGGCAAGCCTTCGC[C>G]TGTTTATGAGCAGCATAAATTGTTCTGATTTCTACTCCTCCACACATAAGACGTAATAAC-3'
Protein context (NP_982271.3, residues 188-208): EIRTIYAAHK[Gln198His]AKACLISRLS

ClinVar aggregate classification (germline): Uncertain significance (1 of 4 stars; one submission).

Conditions:
Developmental and epileptic encephalopathy, 53. Also called: Epileptic encephalopathy, early infantile, 53. Identifiers: MedGen C4479313, MONDO:0033362, OMIM 617389.
Early-onset Parkinson disease 20. Also called: PARKINSON DISEASE 20, AUTOSOMAL RECESSIVE EARLY-ONSET. Identifiers: Orphanet 391411, MedGen C3809824, MONDO:0014233, OMIM 615530.

Allele frequency attached by ClinVar (database versions not stated): TOPMed below 0.00001; gnomAD exomes 0.00001.
gnomAD v4.1: 8 of 1,614,130 alleles (0.0005%); highest among the groups gnomAD compares: Non-Finnish European, 0.00068%; no homozygotes.

Submission:

Labcorp Genetics (formerly Invitae), Labcorp
Classification: Uncertain significance for Developmental and epileptic encephalopathy, 53; Early-onset Parkinson disease 20. Last evaluated: 2022-08-19. Review status: criteria provided, single submitter. Criteria: Invitae Variant Classification Sherloc (09022015). Collection method: clinical testing. Allele origin: germline.
Comment: This sequence change replaces glutamine, which is neutral and polar, with histidine, which is basic and polar, at codon 237 of the SYNJ1 protein (p.Gln237His). This variant is not present in population databases (gnomAD no frequency). This variant has not been reported in the literature in individuals affected with SYNJ1-related conditions. Algorithms developed to predict the effect of missense changes on protein structure and function are either unavailable or do not agree on the potential impact of this missense change (SIFT: "Deleterious"; PolyPhen-2: "Probably Damaging"; Align-GVGD: "Class C0"). In summary, the available evidence is currently insufficient to determine the role of this variant in disease. Therefore, it has been classified as a Variant of Uncertain Significance.